The following is an entry in ClinVar:

NM_014874.4(MFN2):c.1064_1066del (p.Lys355del)

Gene: MFN2 (mitofusin 2; plus strand). Cytogenetic location: 1p36.22.
Variant type: Deletion.
Coding change: c.1064_1066del on transcript NM_014874.4 (MANE Select); coding-DNA positions 1064 to 1066, 3 bases deleted (AGA; older notation c.1064_1066delAGA).
Protein change: p.Lys355del; deletes lysine 355.
Molecular consequence: inframe deletion.
Genome position (GRCh38, 1-based): chr1:12,002,007-12,002,009, AGA deleted; deleting any 3 consecutive bases within chr1:12,002,005-12,002,009 gives the same sequence; the c. name uses the placement nearest the transcript's 3' end. VCF-style (leftmost placement, unchanged base first): chr1-12002004-TGAA-T. GRCh37 (hg19) VCF-style: chr1-12062061-TGAA-T.
Other names: c.1064_1066delAGA (NM_014874.3); c.1064_1066del, p.Lys355del (NM_001127660.2); short protein forms K355del.
Identifiers: ClinVar variation 644078 (VCV000644078.1), dbSNP rs1569853941, ClinGen allele CA915941134.

ClinVar aggregate classification (germline): Uncertain significance (1 of 4 stars; one submission).

Conditions:
Charcot-Marie-Tooth disease type 2. Also called: Charcot-Marie-Tooth type 2. Identifiers: Orphanet 64746, MedGen C0270914, MONDO:0018993.

Submission:

Labcorp Genetics (formerly Invitae), Labcorp
Classification: Uncertain significance for Charcot-Marie-Tooth disease type 2. Last evaluated: 2018-11-08. Review status: criteria provided, single submitter. Criteria: Invitae Variant Classification Sherloc (09022015). Collection method: clinical testing. Allele origin: germline.
Comment: This variant, c.1064_1066delAGA, results in the deletion of 1 amino acid(s) of the MFN2 protein (p.Lys355del), but otherwise preserves the integrity of the reading frame. This variant is not present in population databases (ExAC no frequency). This variant has not been reported in the literature in individuals with MFN2-related disease. Experimental studies and prediction algorithms are not available for this variant, and the functional significance of the affected amino acid(s) is currently unknown. In summary, the available evidence is currently insufficient to determine the role of this variant in disease. Therefore, it has been classified as a Variant of Uncertain Significance.